The following is an entry in ClinVar:

ClinVar aggregate classification (germline): Pathogenic. Review status: criteria provided, multiple submitters, no conflicts (2 of 4 stars). 3 submissions from 3 submitters: Pathogenic (3). Last evaluated 2022-06-27.

Conditions:
Cardiovascular phenotype. Identifiers: MedGen CN230736.
ACVRL1-related disorder. Also called: ACVRL1-related condition; ACVRL1-related disorders.
Telangiectasia, hereditary hemorrhagic, type 2 (HHT2). Also called: ACVRL1-Related Hereditary Hemorrhagic Telangiectasia; Telangiectasia, hereditary hemorrhagic, type II. Identifiers: Orphanet 774, MedGen C1838163, MONDO:0010880, OMIM 600376. Disease mechanism: loss of function.

Submissions (3):

Labcorp Genetics (formerly Invitae), Labcorp
Classification: Pathogenic for Telangiectasia, hereditary hemorrhagic, type 2. Last evaluated: 2022-06-27. Review status: criteria provided, single submitter. Criteria: Invitae Variant Classification Sherloc (09022015). Collection method: clinical testing. Allele origin: germline.
Comment: For these reasons, this variant has been classified as Pathogenic. This variant disrupts a region of the ACVRL1 protein in which other variant(s) (p.Arg479*) have been determined to be pathogenic (PMID: 15024723, 15065824, 15517393, 15712271, 16429404, 16540754, 18673552, 21158752, 23722869). This suggests that this is a clinically significant region of the protein, and that variants that disrupt it are likely to be disease-causing. This variant has not been reported in the literature in individuals affected with ACVRL1-related conditions. This variant is not present in population databases (gnomAD no frequency). This sequence change creates a premature translational stop signal (p.Asp445Trpfs*21) in the ACVRL1 gene. While this is not anticipated to result in nonsense mediated decay, it is expected to disrupt the last 59 amino acid(s) of the ACVRL1 protein.

Blueprint Genetics
Classification: Pathogenic for ACVRL1-related disorders. Last evaluated: 2022-03-21. Review status: criteria provided, single submitter. Criteria: ACMG Guidelines, 2015. Collection method: clinical testing. Allele origin: germline. Affected: yes. Observed: 1 variant allele.

Ambry Genetics
Classification: Pathogenic for Cardiovascular phenotype. Last evaluated: 2016-11-22. Review status: criteria provided, single submitter. Criteria: Ambry Variant Classification Scheme 2023. Collection method: clinical testing. Allele origin: germline.
Comment: The c.1331_1332dupTG pathogenic mutation, located in coding exon 8 of the ACVRL1 gene, results from a duplication of TG at nucleotide position 1331, causing a translational frameshift with a predicted alternate stop codon (p.D445Wfs*21). This alteration is expected to result in loss of function by premature protein truncation. As such, this alteration is interpreted as a disease-causing mutation.

Literature cited by the submitters: PubMed 15024723 (cited by Labcorp Genetics (formerly Invitae), Labcorp); PubMed 15065824 (cited by Labcorp Genetics (formerly Invitae), Labcorp); PubMed 15517393 (cited by Labcorp Genetics (formerly Invitae), Labcorp); PubMed 15712271 (cited by Labcorp Genetics (formerly Invitae), Labcorp); PubMed 16429404 (cited by Labcorp Genetics (formerly Invitae), Labcorp); PubMed 16540754 (cited by Labcorp Genetics (formerly Invitae), Labcorp); PubMed 18673552 (cited by Labcorp Genetics (formerly Invitae), Labcorp); PubMed 21158752 (cited by Labcorp Genetics (formerly Invitae), Labcorp); PubMed 23722869 (cited by Labcorp Genetics (formerly Invitae), Labcorp).

NM_000020.3(ACVRL1):c.1331_1332dup (p.Asp445fs)

Gene: ACVRL1 (activin A receptor like type 1; plus strand). Cytogenetic location: 12q13.13.
Variant type: Microsatellite.
Coding change: c.1331_1332dup on transcript NM_000020.3 (MANE Select); coding-DNA positions 1331 to 1332, 2 bases duplicated (TG; older notation c.1331_1332dupTG).
Protein change: p.Asp445fs; shifts the reading frame from aspartic acid 445.
Molecular consequence: frameshift variant.
Genome position (GRCh38, 1-based): chr12:51,919,069-51,919,070, TG duplicated; duplicating any 2 consecutive bases within chr12:51,919,062-51,919,070 gives the same sequence; the c. name uses the placement nearest the transcript's 3' end. VCF-style (leftmost placement, unchanged base first): chr12-51919061-G-GGT. GRCh37 (hg19) VCF-style: chr12-52312845-G-GGT.
Other names: c.1331_1332dup, p.Asp445fs (NM_001077401.2); short protein forms D445fs.
Identifiers: ClinVar variation 576539 (VCV000576539.11), dbSNP rs1565596508, ClinGen allele CA891843498.
Genomic context (GRCh38, chr12:51,919,061, plus strand): 5'-TAGACCACCCTTCTATGATGTGGTGCCCAATGACCCCAGCTTTGAGGACATGAAGAAGGT[G>GGT]GTGTGTGTGGATCAGCAGACCCCCACCATCCCTAACCGGCTGGCTGCAGACCCGGTGAGG-3'